The following is an entry in ClinVar:

ClinVar aggregate classification (germline): Conflicting classifications of pathogenicity. Review status: criteria provided, conflicting classifications (1 of 4 stars). 2 submissions from 2 submitters: Uncertain significance (1); Likely benign (1). Last evaluated 2025-10-09.

Conditions:
Cardiovascular phenotype. Identifiers: MedGen CN230736.
Walker-Warburg congenital muscular dystrophy. Also called: Muscular dystrophy-dystroglycanopathy, type A; Walker-Warburg syndrome. Identifiers: Orphanet 899, MedGen C0265221, MONDO:0000171.

Allele frequency attached by ClinVar (database versions not stated): TOPMed 0.00002; ESP Exome Variant Server 0.00008.
gnomAD v4.1: 5 of 1,613,878 alleles (0.00031%); highest among the groups gnomAD compares: African/African-American, 0.0053%; no homozygotes.

Submissions (2):

Labcorp Genetics (formerly Invitae), Labcorp
Classification: Likely benign for Walker-Warburg congenital muscular dystrophy. Last evaluated: 2025-10-09. Review status: criteria provided, single submitter. Criteria: Invitae Variant Classification Sherloc (09022015). Collection method: clinical testing. Allele origin: germline.

Ambry Genetics
Classification: Uncertain significance for Cardiovascular phenotype. Last evaluated: 2024-09-25. Review status: criteria provided, single submitter. Criteria: Ambry Variant Classification Scheme 2023. Collection method: clinical testing. Allele origin: germline.
Comment: The c.1185G>T variant (also known as p.P395P), located in coding exon 9 of the FKTN gene, results from a G to T substitution at nucleotide position 1185. This nucleotide substitution does not change the amino acid at codon 395. This nucleotide position is poorly conserved in available vertebrate species. In silico splice site analysis for this alteration is inconclusive. Based on the available evidence, the clinical significance of this variant remains unclear.

NM_001079802.2(FKTN):c.1185G>T (p.Pro395=)

Gene: FKTN (fukutin; plus strand). Cytogenetic location: 9q31.2.
Variant type: single nucleotide variant.
Coding change: c.1185G>T on transcript NM_001079802.2 (MANE Select); coding-DNA position 1185, G replaced by T.
Protein change: p.Pro395=; no amino-acid change (proline 395 retained).
Molecular consequence: synonymous variant. On other transcripts: nonsense (1), non-coding transcript variant (2).
Genome position (GRCh38, 1-based): chr9:105,635,063, G>T. VCF-style: chr9-105635063-G-T. GRCh37 (hg19) VCF-style: chr9-108397344-G-T.
Other names: c.1185G>T, p.Pro395= (NM_001198963.2, NM_001351496.2, NM_006731.2); c.1116G>T, p.Pro372= (NM_001351497.2); c.1216G>T, p.Glu406Ter (NM_001351498.2); c.789G>T, p.Pro263= (NM_001351499.2, NM_001351500.2, NM_001351501.2 and 1 more transcripts); short protein forms E406*.
Identifiers: ClinVar variation 764462 (VCV000764462.13), dbSNP rs141886790, ClinGen allele CA5170592.